The following is an entry in ClinVar:

NM_001267550.2(TTN):c.79523G>A (p.Trp26508Ter)

Genes: TTN (titin; minus strand), TTN-AS1 (TTN antisense RNA 1; plus strand). Cytogenetic location: 2q31.2.
Variant type: single nucleotide variant.
Coding change: c.79523G>A on transcript NM_001267550.2 (MANE Select); coding-DNA position 79523, G replaced by A.
Protein change: p.Trp26508Ter; replaces tryptophan 26508 with a stop codon.
Molecular consequence: nonsense.
Genome position (GRCh38, 1-based): chr2:178,566,609, C>T on the plus strand (G>A on the coding strand, the complement: TTN is on the minus strand). VCF-style: chr2-178566609-C-T. GRCh37 (hg19) VCF-style: chr2-179431336-C-T.
Other names: c.74600G>A, p.Trp24867Ter (NM_001256850.1); c.52328G>A, p.Trp17443Ter (NM_003319.4); c.71819G>A, p.Trp23940Ter (NM_133378.4); c.52703G>A, p.Trp17568Ter (NM_133432.3); c.52904G>A, p.Trp17635Ter (NM_133437.4); short protein forms W23940*, W17635*, W24867*, W17443*, W17568*, W26508*.
Identifiers: ClinVar variation 2126845 (VCV002126845.4), dbSNP rs2468292526, ClinGen allele CA349596376.

ClinVar aggregate classification (germline): Likely pathogenic (1 of 4 stars; one submission).

Conditions:
Dilated cardiomyopathy 1G (CMD1G). Identifiers: Orphanet 154, MedGen C1858763, MONDO:0011400, OMIM 604145.
Autosomal recessive limb-girdle muscular dystrophy type 2J (LGMDR10). Also called: Limb-girdle muscular dystrophy, type 2J; MUSCULAR DYSTROPHY, LIMB-GIRDLE, AUTOSOMAL RECESSIVE 10. Identifiers: Orphanet 140922, MedGen C1837342, MONDO:0012127, OMIM 608807.

Allele frequency attached by ClinVar (database versions not stated): gnomAD exomes below 0.00001.
gnomAD v4.1: 1 of 1,612,466 alleles (0.000062%); highest among the groups gnomAD compares: Non-Finnish European, 0.000085%; no homozygotes.

Submission:

Labcorp Genetics (formerly Invitae), Labcorp
Classification: Likely pathogenic for Dilated cardiomyopathy 1G; Autosomal recessive limb-girdle muscular dystrophy type 2J. Last evaluated: 2024-04-03. Review status: criteria provided, single submitter. Criteria: Invitae Variant Classification Sherloc (09022015). Collection method: clinical testing. Allele origin: germline.
Comment: This sequence change creates a premature translational stop signal (p.Trp26508*) in the TTN gene. While this is not anticipated to result in nonsense mediated decay, it is expected to create a truncated TTN protein. This variant is not present in population databases (gnomAD no frequency). This variant has not been reported in the literature in individuals affected with TTN-related conditions. ClinVar contains an entry for this variant (Variation ID: 2126845). This variant is located in the A band of TTN (PMID: 25589632). Truncating variants in this region are significantly overrepresented in patients affected with dilated cardiomyopathy (PMID: 25589632). Truncating variants in this region have also been reported in individuals affected with autosomal recessive centronuclear myopathy (PMID: 23975875). In summary, the currently available evidence indicates that the variant is pathogenic, but additional data are needed to prove that conclusively. Therefore, this variant has been classified as Likely Pathogenic.

Literature cited by the submitters: PubMed 25589632; PubMed 23975875.